The following is an entry in ClinVar:

NM_001754.5(RUNX1):c.478G>T (p.Asp160Tyr)

Genes: RUNX1 (RUNX family transcription factor 1; minus strand), RUNX1-AS1 (RUNX1 antisense RNA 1; plus strand). Cytogenetic location: 21q22.12.
Variant type: single nucleotide variant.
Coding change: c.478G>T on transcript NM_001754.5 (MANE Select); coding-DNA position 478, G replaced by T.
Protein change: p.Asp160Tyr; replaces aspartic acid 160 with tyrosine.
Molecular consequence: missense variant.
Genome position (GRCh38, 1-based): chr21:34,880,587, C>A on the plus strand (G>T on the coding strand, the complement: RUNX1 is on the minus strand). VCF-style: chr21-34880587-C-A. GRCh37 (hg19) VCF-style: chr21-36252884-C-A.
Other names: c.397G>T, p.Asp133Tyr (NM_001001890.3, NM_001122607.2); short protein forms D160Y, D133Y.
Identifiers: ClinVar variation 4843713 (VCV004843713.1).
Genomic context (GRCh38, chr21:34,880,587, plus strand): 5'-TTTCAAGCATAGTTTTGACAGATAACGTACCTCTTCCACTTCGACCGACAAACCTGAGGT[C>A]ATTAAATCTTGCAACCTGGTTCTTCATGGCTGCGGTAGCATTTCTCAGCTCAGCCGAGTA-3'
Protein context (NP_001745.2, residues 150-170): AMKNQVARFN[Asp160Tyr]LRFVGRSGRG

ClinVar aggregate classification (germline): Uncertain significance (1 of 4 stars; one submission).

Conditions:
Inborn genetic diseases. Identifiers: MedGen C0950123, MeSH D030342.

Submission:

Ambry Genetics
Classification: Uncertain significance for Inborn genetic diseases. Last evaluated: 2026-01-08. Review status: criteria provided, single submitter. Criteria: Ambry Variant Classification Scheme 2023. Collection method: clinical testing. Allele origin: germline.
Comment: The p.D160Y variant (also known as c.478G>T), located in coding exon 4 of the RUNX1 gene, results from a G to T substitution at nucleotide position 478. The aspartic acid at codon 160 is replaced by tyrosine, an amino acid with highly dissimilar properties. This amino acid position is highly conserved in available vertebrate species. In addition, this alteration is predicted to be deleterious by in silico analysis. Based on the available evidence, the clinical significance of this variant remains unclear.